The following is an entry in ClinVar:

ClinVar aggregate classification (germline): Benign (1 of 4 stars; one submission).

Allele frequency attached by ClinVar (database versions not stated): gnomAD 0.48100 and 0.48408; TOPMed 0.48756; 1000 Genomes Project 30x 0.49391; 1000 Genomes Project 0.49561.
gnomAD v4.1: 73,588 of 152,008 alleles (48%); highest among the groups gnomAD compares: East Asian, 60%; 18,027 homozygotes.

Submission:

GeneDx
Classification: Benign. Last evaluated: 2018-06-14. Review status: criteria provided, single submitter. Criteria: GeneDx Variant Classification (06012015). Collection method: clinical testing. Allele origin: germline. Affected: yes.
Comment: This variant is considered likely benign or benign based on one or more of the following criteria: it is a conservative change, it occurs at a poorly conserved position in the protein, it is predicted to be benign by multiple in silico algorithms, and/or has population frequency not consistent with disease.

NM_018972.4(GDAP1):c.484+182C>A

Gene: GDAP1 (ganglioside induced differentiation associated protein 1; plus strand). Cytogenetic location: 8q21.11.
Variant type: single nucleotide variant.
Coding change: c.484+182C>A on transcript NM_018972.4 (MANE Select); 182 bases into the intron after coding-DNA position 484, C replaced by A.
Molecular consequence: intron variant.
Genome position (GRCh38, 1-based): chr8:74,360,492, C>A. VCF-style: chr8-74360492-C-A. GRCh37 (hg19) VCF-style: chr8-75272727-C-A.
Other names: c.484+182C>A (NM_001362931.2); c.311-1392C>A (NM_001362930.2); c.157+182C>A (NM_001362929.2, NM_001362932.2); c.280+182C>A (NM_001040875.4).
Identifiers: ClinVar variation 681275 (VCV000681275.1), dbSNP rs4310196, ClinGen allele CA12766326.